The following continues an entry in ClinVar:

NM_058216.3(RAD51C):c.506T>C (p.Val169Ala)

Gene: RAD51C. ClinVar aggregate classification (germline): Conflicting classifications of pathogenicity. Uncertain significance (6); Benign (1); Likely benign (8).

Submissions 15 to 21 of 21:

Color Diagnostics, LLC DBA Color Health
Classification: Likely benign for Hereditary cancer-predisposing syndrome. Last evaluated: 2014-11-19. Review status: criteria provided, single submitter. Criteria: ACMG Guidelines, 2015. Collection method: clinical testing. Allele origin: germline.

Counsyl
Classification: Uncertain significance for Fanconi anemia complementation group O. Last evaluated: 2016-07-11. Review status: no assertion criteria provided. Collection method: clinical testing. Allele origin: unknown. Not counted in ClinVar's aggregate classification.

Counsyl
Classification: Uncertain significance for Breast-ovarian cancer, familial, susceptibility to, 3. Last evaluated: 2016-07-11. Review status: no assertion criteria provided. Collection method: clinical testing. Allele origin: unknown. Not counted in ClinVar's aggregate classification.

Clinical Genetics DNA and cytogenetics Diagnostics Lab, Erasmus MC, Erasmus Medical Center
Classification: Likely benign. Review status: no assertion criteria provided. Collection method: clinical testing. Allele origin: germline. Affected: yes. Study: VKGL Data-share Consensus. Not counted in ClinVar's aggregate classification.

Clinical Genetics Laboratory, Department of Pathology, Netherlands Cancer Institute
Classification: Likely benign. Review status: no assertion criteria provided. Collection method: clinical testing. Allele origin: germline. Affected: yes. Study: VKGL Data-share Consensus. Not counted in ClinVar's aggregate classification.

Department of Pathology and Laboratory Medicine, Sinai Health System
Classification: Uncertain significance for Malignant tumor of breast. Review status: no assertion criteria provided. Collection method: clinical testing. Allele origin: unknown. Affected: yes. Study: The Canadian Open Genetics Repository (COGR). Not counted in ClinVar's aggregate classification.
Comment: The RAD51C p.Val169Ala variant was identified in 11 of 30,036 proband chromosomes (frequency: 0.0004) from individuals or families with chronic lymphocytic leukemia, Lynch Syndrome, glioma, endometrial, and hereditary breast and ovarian cancer and was present in 2 of 16,372 control chromosomes (frequency: 0.0001) from healthy individuals (Sellick 2008, Meindl 2009, Lu 2012, De Leeneer 2012, Thompson 2012, Loveday 2012, Yurgelun 2015, Ring 2016, Lu 2015, Song 2015). The variant was identified in dbSNP (rs587780256) as â€šÃ„Ãºwith uncertain significance alleleâ€šÃ„Ã¹, in ClinVar (classified as likely benign by Ambry Genetics, Color and GeneDx, uncertain significance by Invitae and Counsyl and benign by Integrated Genetics) and LOVD 3.0 (observed 4x). The variant was identified in control databases in 42 of 282,840 chromosomes at a frequency of 0.0001 (Genome Aggregation Database Feb 27, 2017). The variant was observed in the following populations: European in 42 of 129,164 chromosomes (freq: 0.0003); it was not observed in the African, Latino, Ashkenazi Jewish, East Asian, Finnish, Other and South Asian populations. In one study in vitro expressio n of the variant had a similar effect on cell survival and RAD51C protein expression compared to wild type (Meindl 2009). The p.Val169 residue is conserved in mammals but not in more distantly related organisms however four out of five computational analyses (PolyPhen-2, SIFT, AlignGVGD, BLOSUM, MutationTaster) do not suggest a high likelihood of impact to the protein; this information is not predictive enough to rule out pathogenicity. The variant occurs outside of the splicing consensus sequence and 1 of 4 in silico or computational prediction software programs (SpliceSiteFinder, MaxEntScan, NNSPLICE, GeneSplicer) predict a greater than 10% difference in splicing; this is not very predictive of pathogenicity. In summary, based on the above information the clinical significance of this variant cannot be determined with certainty at this time. This variant is classified as a variant of uncertain significance.

Joint Genome Diagnostic Labs from Nijmegen and Maastricht, Radboudumc and MUMC+
Classification: Likely benign. Review status: no assertion criteria provided. Collection method: clinical testing. Allele origin: germline. Affected: yes. Study: VKGL Data-share Consensus. Not counted in ClinVar's aggregate classification.

Literature cited by the submitters: PubMed 18203022 (cited by Labcorp Genetics (formerly Invitae), Labcorp and Quest Diagnostics Nichols Institute San Juan Capistrano); PubMed 20400964 (cited by 5 submitters); PubMed 21990120 (cited by 5 submitters); PubMed 22370629 (cited by 5 submitters); PubMed 22476429 (cited by 5 submitters); PubMed 22538716 (cited by 4 submitters); PubMed 25980754 (cited by 4 submitters); PubMed 26689913 (cited by Labcorp Genetics (formerly Invitae), Labcorp and Quest Diagnostics Nichols Institute San Juan Capistrano); PubMed 27443514 (cited by Labcorp Genetics (formerly Invitae), Labcorp and Quest Diagnostics Nichols Institute San Juan Capistrano); PubMed 34326862 (cited by Labcorp Genetics (formerly Invitae), Labcorp and Quest Diagnostics Nichols Institute San Juan Capistrano); PubMed 33471991 (cited by Quest Diagnostics Nichols Institute San Juan Capistrano); PubMed 26261251 (cited by 4 submitters); PubMed 25470109 (cited by Quest Diagnostics Nichols Institute San Juan Capistrano and Ambry Genetics); PubMed 23117857 (cited by Quest Diagnostics Nichols Institute San Juan Capistrano and Ambry Genetics); PubMed 37253112 (cited by Quest Diagnostics Nichols Institute San Juan Capistrano); PubMed 32885271 (cited by Quest Diagnostics Nichols Institute San Juan Capistrano); PubMed 35039523 (cited by Quest Diagnostics Nichols Institute San Juan Capistrano); PubMed 36368728 (cited by Quest Diagnostics Nichols Institute San Juan Capistrano); PubMed 37488098 (cited by Quest Diagnostics Nichols Institute San Juan Capistrano); PubMed 37450374 (cited by Quest Diagnostics Nichols Institute San Juan Capistrano); PubMed 25085752 (cited by Myriad Genetics, Inc.).